The following is an entry in ClinVar:

ClinVar aggregate classification (germline): Uncertain significance (1 of 4 stars; one submission).

Conditions:
Charcot-Marie-Tooth disease type 2. Also called: Charcot-Marie-Tooth type 2. Identifiers: Orphanet 64746, MedGen C0270914, MONDO:0018993.

Submission:

Labcorp Genetics (formerly Invitae), Labcorp
Classification: Uncertain significance for Charcot-Marie-Tooth disease type 2. Last evaluated: 2024-04-25. Review status: criteria provided, single submitter. Criteria: Invitae Variant Classification Sherloc (09022015). Collection method: clinical testing. Allele origin: germline.
Comment: This sequence change creates a premature translational stop signal (p.Leu914*) in the AARS gene. While this is not anticipated to result in nonsense mediated decay, it is expected to disrupt the last 55 amino acid(s) of the AARS protein. This variant is present in population databases (rs747345978, gnomAD 0.03%). This variant has not been reported in the literature in individuals affected with AARS-related conditions. ClinVar contains an entry for this variant (Variation ID: 1041309). This variant disrupts a region of the AARS protein in which other variant(s) (p.Phe958Ser) have been observed in individuals with AARS-related conditions (PMID: 30214071, 34645488). This suggests that this is a clinically significant region of the protein, and that variants that disrupt it are likely to be disease-causing. In summary, the available evidence is currently insufficient to determine the role of this variant in disease. Therefore, it has been classified as a Variant of Uncertain Significance.

Literature cited by the submitters: PubMed 30214071; PubMed 34645488.

NM_001605.3(AARS1):c.2741del (p.Gly913_Leu914insTer)

Gene: AARS1 (alanyl-tRNA synthetase 1; minus strand). Cytogenetic location: 16q22.1.
Variant type: Deletion.
Coding change: c.2741del on transcript NM_001605.3 (MANE Select); coding-DNA position 2741, one base deleted (T; older notation c.2741delT).
Protein change: p.Gly913_Leu914insTer.
Molecular consequence: nonsense.
Genome position (GRCh38, 1-based): chr16:70,252,887, A deleted on the plus strand (T on the coding strand, the reverse complement: AARS1 is on the minus strand); the first of 2 consecutive A bases (chr16:70,252,887-70,252,888); deleting either gives the same sequence. VCF-style (leftmost placement, unchanged base first): chr16-70252886-TA-T. GRCh37 (hg19) VCF-style: chr16-70286789-TA-T.
Identifiers: ClinVar variation 1041309 (VCV001041309.5), dbSNP rs747345978, ClinGen allele CA8140274.